The following is an entry in ClinVar:

NM_015629.4(PRPF31):c.1147-5C>A

Gene: PRPF31 (pre-mRNA processing factor 31; plus strand). Cytogenetic location: 19q13.42.
Variant type: single nucleotide variant.
Coding change: c.1147-5C>A on transcript NM_015629.4 (MANE Select); 5 bases into the intron before coding-DNA position 1147, C replaced by A.
Molecular consequence: intron variant.
Genome position (GRCh38, 1-based): chr19:54,129,052, C>A. VCF-style: chr19-54129052-C-A. GRCh37 (hg19) VCF-style: chr19-54632427-C-A.
Other names: c.1147-5C>A (NM_015629.3).
Identifiers: ClinVar variation 1353790 (VCV001353790.9), dbSNP rs587757028, ClinGen allele CA309330502.

ClinVar aggregate classification (germline): Likely benign. Review status: criteria provided, multiple submitters, no conflicts (2 of 4 stars). 2 submissions from 2 submitters: Likely benign (2). Last evaluated 2025-10-29.

Conditions:
PRPF31-related disorder. Also called: PRPF31-related condition.

gnomAD v4.1: 44 of 1,568,270 alleles (0.0028%); highest among the groups gnomAD compares: Middle Eastern, 0.017%; 1 homozygote.

Submissions (2):

PreventionGenetics, part of Exact Sciences
Classification: Likely benign for PRPF31-related condition. Last evaluated: 2025-10-29. Review status: criteria provided, single submitter. Criteria: ACMG Guidelines, 2015. Collection method: clinical testing. Allele origin: germline.
Comment: This variant is classified as likely benign based on ACMG/AMP sequence variant interpretation guidelines (Richards et al. 2015 PMID: 25741868, with internal and published modifications).

Labcorp Genetics (formerly Invitae), Labcorp
Classification: Likely benign. Last evaluated: 2023-06-04. Review status: criteria provided, single submitter. Criteria: Invitae Variant Classification Sherloc (09022015). Collection method: clinical testing. Allele origin: germline.